The following is an entry in ClinVar:

ClinVar aggregate classification (germline): Uncertain significance (1 of 4 stars; one submission).

Conditions:
ZFPM2-related disorder. Also called: ZFPM2-related condition.

Submission:

PreventionGenetics, part of Exact Sciences
Classification: Uncertain significance for ZFPM2-related condition. Last evaluated: 2025-12-12. Review status: criteria provided, single submitter. Criteria: ACMG Guidelines, 2015. Collection method: clinical testing. Allele origin: germline.
Comment: The ZFPM2 c.2159G>A variant is predicted to result in the amino acid substitution p.Arg720Lys. To our knowledge, this variant has not been reported in the literature or in a large population database (gnomAD), indicating this variant is rare. At this time, the clinical significance of this variant is uncertain due to the absence of conclusive functional and genetic evidence.

NM_012082.4(ZFPM2):c.2159G>A (p.Arg720Lys)

Genes: ZFPM2 (zinc finger protein, FOG family member 2; plus strand), ZFPM2-AS1 (ZFPM2 antisense RNA 1; minus strand), LOC126860469 (BRD4-independent group 4 enhancer GRCh37_chr8:106814445-106815644; plus strand). Cytogenetic location: 8q23.1.
Variant type: single nucleotide variant.
Coding change: c.2159G>A on transcript NM_012082.4 (MANE Select); coding-DNA position 2159, G replaced by A.
Protein change: p.Arg720Lys; replaces arginine 720 with lysine.
Molecular consequence: missense variant.
Genome position (GRCh38, 1-based): chr8:105,802,241, G>A. VCF-style: chr8-105802241-G-A. GRCh37 (hg19) VCF-style: chr8-106814469-G-A.
Other names: c.2000G>A, p.Arg667Lys (NM_001362836.2); c.1763G>A, p.Arg588Lys (NM_001362837.2); short protein forms R588K, R667K, R720K.
Identifiers: ClinVar variation 2633609 (VCV002633609.2), dbSNP rs2131179830, ClinGen allele CA371953463.